The following is an entry in ClinVar:

ClinVar aggregate classification (germline): Pathogenic (1 of 4 stars; one submission).

Conditions:
O'Donnell-Luria-Rodan syndrome (ODLURO). Also called: KMT2E-Related Neurodevelopmental Disorder. Identifiers: MedGen C5193138, MONDO:0032793, OMIM 618512.

Submission:

Institute of Human Genetics, Heidelberg University
Classification: Pathogenic for O'Donnell-Luria-Rodan syndrome. Last evaluated: 2026-07-02. Review status: criteria provided, single submitter. Criteria: ACMG Guidelines, 2015. Collection method: clinical testing. Allele origin: de novo. Affected: yes. Observed: 1 variant allele.
Comment: PS2_mod, PM2_supp, PVS1_vs

NM_182931.3(KMT2E):c.4068+1G>A

Gene: KMT2E (lysine methyltransferase 2E (inactive); plus strand). Cytogenetic location: 7q22.3.
Variant type: single nucleotide variant.
Coding change: c.4068+1G>A on transcript NM_182931.3 (MANE Select); the canonical splice donor site of the intron after coding-DNA position 4068, G replaced by A.
Molecular consequence: splice donor variant.
Genome position (GRCh38, 1-based): chr7:105,110,869, G>A. VCF-style: chr7-105110869-G-A. GRCh37 (hg19) VCF-style: chr7-104751316-G-A.
Other names: c.3942+1G>A (NM_001410908.1); c.4068+1G>A (NM_018682.4).
Identifiers: ClinVar variation 4884429 (VCV004884429.1).
Genomic context (GRCh38, chr7:105,110,869, plus strand): 5'-GAATGTCCATCCCCAGATACTTCTCAAAATACTTGTAAAAGTCCTCCAAAAATGAGCAAG[G>A]TAATAACATTGACCTTTCGATGGGTTCCAAAGGACTTTAGGTTGAGTGCAGAAAAGCTGA-3'